The following is an entry in ClinVar:

NM_017934.7(PHIP):c.2991G>A (p.Glu997=)

Genes: IRAK1BP1 (interleukin 1 receptor associated kinase 1 binding protein 1; plus strand), PHIP (PHIP subunit of CUL4-Ring ligase complex; minus strand). Cytogenetic location: 6q14.1.
Variant type: single nucleotide variant.
Coding change: c.2991G>A on transcript NM_017934.7 (MANE Select); coding-DNA position 2991, G replaced by A.
Protein change: p.Glu997=; no amino-acid change (glutamic acid 997 retained).
Molecular consequence: synonymous variant.
Genome position (GRCh38, 1-based): chr6:78,970,787, C>T on the plus strand (G>A on the coding strand, the complement: PHIP is on the minus strand). VCF-style: chr6-78970787-C-T. GRCh37 (hg19) VCF-style: chr6-79680504-C-T.
Identifiers: ClinVar variation 4999629 (VCV004999629.1).

ClinVar aggregate classification (germline): Likely benign (1 of 4 stars; one submission).

Conditions:
PHIP-related disorder. Also called: PHIP-related disorders; PHIP-related condition.

gnomAD v4.1: 1 of 1,592,446 alleles (0.000063%); highest among the groups gnomAD compares: Admixed American, 0.0017%; no homozygotes.

Submission:

PreventionGenetics, part of Exact Sciences
Classification: Likely benign for PHIP-related condition. Last evaluated: 2025-03-22. Review status: criteria provided, single submitter. Criteria: ACMG Guidelines, 2015. Collection method: clinical testing. Allele origin: germline.
Comment: This variant is classified as likely benign based on ACMG/AMP sequence variant interpretation guidelines (Richards et al. 2015 PMID: 25741868, with internal and published modifications).